The following is an entry in ClinVar:

NM_017565.4(FAM20A):c.329T>A (p.Leu110Gln)

Gene: FAM20A (FAM20A golgi associated secretory pathway pseudokinase; minus strand). Cytogenetic location: 17q24.2.
Variant type: single nucleotide variant.
Coding change: c.329T>A on transcript NM_017565.4 (MANE Select); coding-DNA position 329, T replaced by A.
Protein change: p.Leu110Gln; replaces leucine 110 with glutamine.
Molecular consequence: missense variant. On other transcripts: 5 prime UTR variant (1).
Genome position (GRCh38, 1-based): chr17:68,600,338, A>T on the plus strand (T>A on the coding strand, the complement: FAM20A is on the minus strand). VCF-style: chr17-68600338-A-T. GRCh37 (hg19) VCF-style: chr17-66596479-A-T.
Other names: c.-312T>A (NM_001243746.2); short protein forms L110Q.
Identifiers: ClinVar variation 2043950 (VCV002043950.3), dbSNP rs201055670, ClinGen allele CA8730126.

ClinVar aggregate classification (germline): Uncertain significance. Review status: criteria provided, multiple submitters, no conflicts (2 of 4 stars). 2 submissions from 2 submitters: Uncertain significance (2). Last evaluated 2025-06-16.

Conditions:
Inborn genetic diseases. Identifiers: MedGen C0950123, MeSH D030342.

Allele frequency attached by ClinVar (database versions not stated): TOPMed 0.00003; gnomAD 0.00006; ESP Exome Variant Server 0.00024.
gnomAD v4.1: 82 of 1,599,016 alleles (0.0051%); highest among the groups gnomAD compares: Non-Finnish European, 0.0067%; no homozygotes.

Submissions (2):

Ambry Genetics
Classification: Uncertain significance for Inborn genetic diseases. Last evaluated: 2025-06-16. Review status: criteria provided, single submitter. Criteria: Ambry Variant Classification Scheme 2023. Collection method: clinical testing. Allele origin: germline.

Labcorp Genetics (formerly Invitae), Labcorp
Classification: Uncertain significance. Last evaluated: 2022-06-09. Review status: criteria provided, single submitter. Criteria: Invitae Variant Classification Sherloc (09022015). Collection method: clinical testing. Allele origin: germline.
Comment: This sequence change replaces leucine, which is neutral and non-polar, with glutamine, which is neutral and polar, at codon 110 of the FAM20A protein (p.Leu110Gln). This variant is present in population databases (rs201055670, gnomAD 0.007%). This variant has not been reported in the literature in individuals affected with FAM20A-related conditions. Algorithms developed to predict the effect of missense changes on protein structure and function output the following: SIFT: "Tolerated"; PolyPhen-2: "Benign"; Align-GVGD: "Class C0". The glutamine amino acid residue is found in multiple mammalian species, which suggests that this missense change does not adversely affect protein function. In summary, the available evidence is currently insufficient to determine the role of this variant in disease. Therefore, it has been classified as a Variant of Uncertain Significance.